The following is an entry in ClinVar:

NM_002474.3(MYH11):c.4616C>T (p.Thr1539Ile)

Genes: NDE1 (nudE neurodevelopment protein 1; plus strand), MYH11 (myosin heavy chain 11; minus strand). Cytogenetic location: 16p13.11.
Variant type: single nucleotide variant.
Coding change: c.4616C>T on transcript NM_002474.3 (MANE Select); coding-DNA position 4616, C replaced by T.
Protein change: p.Thr1539Ile; replaces threonine 1539 with isoleucine.
Molecular consequence: missense variant. On other transcripts: intron variant (2).
Genome position (GRCh38, 1-based): chr16:15,721,014, G>A on the plus strand (C>T on the coding strand, the complement: MYH11 is on the minus strand). VCF-style: chr16-15721014-G-A. GRCh37 (hg19) VCF-style: chr16-15814871-G-A.
Other names: c.4616C>T, p.Thr1539Ile (NM_022844.3); c.948-3177G>A (NM_001143979.2, NM_017668.3); c.4637C>T, p.Thr1546Ile (NM_001040114.2, NM_001040113.2); short protein forms T1539I, T1546I.
Identifiers: ClinVar variation 3075166 (VCV003075166.2), dbSNP rs1318737188, ClinGen allele CA394854534.

ClinVar aggregate classification (germline): Uncertain significance. Review status: criteria provided, multiple submitters, no conflicts (2 of 4 stars). 2 submissions from 2 submitters: Uncertain significance (2). Last evaluated 2023-12-18.

Conditions:
Familial thoracic aortic aneurysm and aortic dissection (TAAD). Also called: Thoracic aortic aneurysms and dissections. Identifiers: Orphanet 91387, MedGen C4707243, MONDO:0019625.

Allele frequency attached by ClinVar (database versions not stated): gnomAD exomes below 0.00001.
gnomAD v4.1: 5 of 1,614,018 alleles (0.00031%); highest among the groups gnomAD compares: Non-Finnish European, 0.00042%; no homozygotes.

Submissions (2):

All of Us Research Program, National Institutes of Health
Classification: Uncertain significance for Familial thoracic aortic aneurysm and aortic dissection. Last evaluated: 2023-12-18. Review status: criteria provided, single submitter. Criteria: ACMG Guidelines, 2015. Collection method: clinical testing. Allele origin: germline. Inheritance: Autosomal dominant inheritance. Observed: 1 variant allele, 1 heterozygote.
Comment: This missense variant replaces threonine with isoleucine at codon 1546 of the MYH11 protein. Computational prediction indicates that this variant may have a neutral impact on protein structure and function. To our knowledge, functional studies have not been reported for this variant. This variant has not been reported in individuals affected with MYH11-related disorders in the literature. This variant has been identified in 2/251444 chromosomes in the general population by the Genome Aggregation Database (gnomAD). The available evidence is insufficient to determine the role of this variant in disease conclusively. Therefore, this variant is classified as a Variant of Uncertain Significance.

This study involves interpretation of variants in research participants for the purpose of population health screening. Participant phenotype was not available at the time of variant classification. Additional details can be found in publication PMID: 35346344, PMCID: PMC8962531

Color Diagnostics, LLC DBA Color Health
Classification: Uncertain significance for Familial thoracic aortic aneurysm and aortic dissection. Last evaluated: 2023-12-06. Review status: criteria provided, single submitter. Criteria: ACMG Guidelines, 2015. Collection method: clinical testing. Allele origin: germline.
Comment: This missense variant replaces threonine with isoleucine at codon 1546 of the MYH11 protein. Computational prediction indicates that this variant may have a neutral impact on protein structure and function. To our knowledge, functional studies have not been reported for this variant. This variant has not been reported in individuals affected with MYH11-related disorders in the literature. This variant has been identified in 2/251444 chromosomes in the general population by the Genome Aggregation Database (gnomAD). The available evidence is insufficient to determine the role of this variant in disease conclusively. Therefore, this variant is classified as a Variant of Uncertain Significance.